The following is an entry in ClinVar:

NM_000075.4(CDK4):c.671G>A (p.Gly224Asp)

Genes: CDK4 (cyclin dependent kinase 4; minus strand), TSPAN31 (tetraspanin 31; plus strand). Cytogenetic location: 12q14.1.
Variant type: single nucleotide variant.
Coding change: c.671G>A on transcript NM_000075.4 (MANE Select); coding-DNA position 671, G replaced by A.
Protein change: p.Gly224Asp; replaces glycine 224 with aspartic acid.
Molecular consequence: missense variant. On other transcripts: 3 prime UTR variant (3).
Genome position (GRCh38, 1-based): chr12:57,749,466, C>T on the plus strand (G>A on the coding strand, the complement: CDK4 is on the minus strand). VCF-style: chr12-57749466-C-T. GRCh37 (hg19) VCF-style: chr12-58143249-C-T.
Other names: c.*2176C>T (NM_001330168.2, NM_001330169.2, NM_005981.5); short protein forms G224D.
Identifiers: ClinVar variation 3489494 (VCV003489494.1).

ClinVar aggregate classification (germline): Uncertain significance (1 of 4 stars; one submission).

Conditions:
Hereditary cancer-predisposing syndrome. Also called: Tumor predisposition; Neoplastic Syndromes, Hereditary; Hereditary Cancer Syndrome; Hereditary neoplastic syndrome. Identifiers: Orphanet 140162, MedGen C0027672, MeSH D009386, MONDO:0015356.

gnomAD v4.1: 1 of 1,614,132 alleles (0.000062%); highest among the groups gnomAD compares: Non-Finnish European, 0.000085%; no homozygotes.

Submission:

Ambry Genetics
Classification: Uncertain significance for Hereditary cancer-predisposing syndrome. Last evaluated: 2024-07-05. Review status: criteria provided, single submitter. Criteria: Ambry Variant Classification Scheme 2023. Collection method: clinical testing. Allele origin: germline.
Comment: The p.G224D variant (also known as c.671G>A), located in coding exon 5 of the CDK4 gene, results from a G to A substitution at nucleotide position 671. The glycine at codon 224 is replaced by aspartic acid, an amino acid with similar properties. This amino acid position is conserved. In addition, this alteration is predicted to be tolerated by in silico analysis. Based on the available evidence, the clinical significance of this variant remains unclear.